The following is an entry in ClinVar:

ClinVar aggregate classification (germline): Likely benign. Review status: criteria provided, multiple submitters, no conflicts (2 of 4 stars). 2 submissions from 2 submitters: Likely benign (2). Last evaluated 2024-10-14.

Conditions:
APOE-related disorder. Also called: APOE-related condition.
Cardiovascular phenotype. Identifiers: MedGen CN230736.

Allele frequency attached by ClinVar (database versions not stated): TOPMed 0.00008.
gnomAD v4.1: 162 of 1,524,964 alleles (0.011%); highest among the groups gnomAD compares: Middle Eastern, 0.022%; 1 homozygote.

Submissions (2):

PreventionGenetics, part of Exact Sciences
Classification: Likely benign for APOE-related condition. Last evaluated: 2024-10-14. Review status: criteria provided, single submitter. Criteria: ACMG Guidelines, 2015. Collection method: clinical testing. Allele origin: germline.
Comment: This variant is classified as likely benign based on ACMG/AMP sequence variant interpretation guidelines (Richards et al. 2015 PMID: 25741868, with internal and published modifications).

Ambry Genetics
Classification: Likely benign for Cardiovascular phenotype. Last evaluated: 2022-02-20. Review status: criteria provided, single submitter. Criteria: Ambry Variant Classification Scheme 2023. Collection method: clinical testing. Allele origin: germline.

NM_000041.4(APOE):c.555C>T (p.Arg185=)

Gene: APOE (apolipoprotein E; plus strand). Cytogenetic location: 19q13.32.
Variant type: single nucleotide variant.
Coding change: c.555C>T on transcript NM_000041.4 (MANE Select); coding-DNA position 555, C replaced by T.
Protein change: p.Arg185=; no amino-acid change (arginine 185 retained).
Molecular consequence: synonymous variant.
Genome position (GRCh38, 1-based): chr19:44,908,851, C>T. VCF-style: chr19-44908851-C-T. GRCh37 (hg19) VCF-style: chr19-45412108-C-T.
Other names: c.555C>T (NM_000041.3); c.633C>T, p.Arg211= (NM_001302688.2); c.555C>T, p.Arg185= (NM_001302689.2, NM_001302690.2, NM_001302691.2).
Identifiers: ClinVar variation 1748286 (VCV001748286.3), dbSNP rs781722239, ClinGen allele CA9506078.